The following is an entry in ClinVar:

NM_000548.5(TSC2):c.1363A>G (p.Ser455Gly)

Gene: TSC2 (TSC complex subunit 2; plus strand). Cytogenetic location: 16p13.3.
Variant type: single nucleotide variant.
Coding change: c.1363A>G on transcript NM_000548.5 (MANE Select); coding-DNA position 1363, A replaced by G.
Protein change: p.Ser455Gly; replaces serine 455 with glycine.
Molecular consequence: missense variant.
Genome position (GRCh38, 1-based): chr16:2,062,973, A>G. VCF-style: chr16-2062973-A-G. GRCh37 (hg19) VCF-style: chr16-2112974-A-G.
Other names: c.19A>G, p.Ser7Gly (NM_001406693.1, NM_001406694.1, NM_001406695.1 and 6 more transcripts); c.1363A>G, p.Ser455Gly (NM_021055.3, NM_001077183.3, NM_001114382.3 and 6 more transcripts); c.1252A>G, p.Ser418Gly (NM_001318827.2, NM_001406670.1, NM_001406678.1); c.1216A>G, p.Ser406Gly (NM_001318829.2, NM_001406675.1, NM_001406676.1 and 1 more transcripts); c.763A>G, p.Ser255Gly (NM_001318831.2, NM_001406680.1, NM_001406682.1 and 6 more transcripts); c.1396A>G, p.Ser466Gly (NM_001318832.2); c.1453A>G, p.Ser485Gly (NM_001406667.1, NM_001406668.1); c.1351A>G, p.Ser451Gly (NM_001406671.1, NM_001406673.1); and 2 more; short protein forms S301G, S418G, S436G, S455G, S255G, S406G, S466G, S7G.
Identifiers: ClinVar variation 2120817 (VCV002120817.4), dbSNP rs2548552395, ClinGen allele CA394323557.

ClinVar aggregate classification (germline): Uncertain significance (1 of 4 stars; one submission).

Conditions:
Tuberous sclerosis 2 (TSC2). Identifiers: Orphanet 805, MedGen C1860707, MONDO:0013199, OMIM 613254.

Submission:

Labcorp Genetics (formerly Invitae), Labcorp
Classification: Uncertain significance for Tuberous sclerosis 2. Last evaluated: 2022-04-02. Review status: criteria provided, single submitter. Criteria: Invitae Variant Classification Sherloc (09022015). Collection method: clinical testing. Allele origin: germline.
Comment: In summary, the available evidence is currently insufficient to determine the role of this variant in disease. Therefore, it has been classified as a Variant of Uncertain Significance. Algorithms developed to predict the effect of missense changes on protein structure and function (SIFT, PolyPhen-2, Align-GVGD) all suggest that this variant is likely to be tolerated. This variant has not been reported in the literature in individuals affected with TSC2-related conditions. This variant is not present in population databases (gnomAD no frequency). This sequence change replaces serine, which is neutral and polar, with glycine, which is neutral and non-polar, at codon 455 of the TSC2 protein (p.Ser455Gly).